The following is an entry in ClinVar:

ClinVar aggregate classification (germline): Uncertain significance (1 of 4 stars; one submission).

Conditions:
Autosomal dominant hypocalcemia 1 (HYPOC1). Also called: HYPOCALCEMIA, FAMILIAL. Identifiers: MedGen C3715128, MONDO:0011013, OMIM 601198.
Familial hypocalciuric hypercalcemia (FHH). Also called: Familial benign hypercalcemia. Identifiers: Orphanet 405, MedGen C1809471, MONDO:0018458.

Submission:

Labcorp Genetics (formerly Invitae), Labcorp
Classification: Uncertain significance for Familial hypocalciuric hypercalcemia; Autosomal dominant hypocalcemia 1. Last evaluated: 2024-12-12. Review status: criteria provided, single submitter. Criteria: Invitae Variant Classification Sherloc (09022015). Collection method: clinical testing. Allele origin: germline.
Comment: This sequence change replaces isoleucine, which is neutral and non-polar, with asparagine, which is neutral and polar, at codon 816 of the CASR protein (p.Ile816Asn). This variant is not present in population databases (gnomAD no frequency). This variant has not been reported in the literature in individuals affected with CASR-related conditions. An algorithm developed to predict the effect of missense changes on protein structure and function (PolyPhen-2) suggests that this variant is likely to be disruptive. In summary, the available evidence is currently insufficient to determine the role of this variant in disease. Therefore, it has been classified as a Variant of Uncertain Significance.

NM_000388.4(CASR):c.2447T>A (p.Ile816Asn)

Gene: CASR (calcium sensing receptor; plus strand). Cytogenetic location: 3q21.1.
Variant type: single nucleotide variant.
Coding change: c.2447T>A on transcript NM_000388.4 (MANE Select); coding-DNA position 2447, T replaced by A.
Protein change: p.Ile816Asn; replaces isoleucine 816 with asparagine.
Molecular consequence: missense variant.
Genome position (GRCh38, 1-based): chr3:122,284,401, T>A. VCF-style: chr3-122284401-T-A. GRCh37 (hg19) VCF-style: chr3-122003248-T-A.
Other names: c.2477T>A, p.Ile826Asn (NM_001178065.2); short protein forms I816N, I826N.
Identifiers: ClinVar variation 3760033 (VCV003760033.2).